The following is an entry in ClinVar:

ClinVar aggregate classification (germline): Uncertain significance (1 of 4 stars; one submission).

Submission:

Labcorp Genetics (formerly Invitae), Labcorp
Classification: Uncertain significance. Last evaluated: 2025-04-21. Review status: criteria provided, single submitter. Criteria: Invitae Variant Classification Sherloc (09022015). Collection method: clinical testing. Allele origin: germline.
Comment: This variant, c.664_666dup, results in the insertion of 1 amino acid(s) of the DVL3 protein (p.Arg222dup), but otherwise preserves the integrity of the reading frame. This variant is present in population databases (rs772055680, gnomAD 0.06%), and has an allele count higher than expected for a pathogenic variant. This variant has not been reported in the literature in individuals affected with DVL3-related conditions. Experimental studies and prediction algorithms are not available or were not evaluated, and the functional significance of this variant is currently unknown. In summary, the available evidence is currently insufficient to determine the role of this variant in disease. Therefore, it has been classified as a Variant of Uncertain Significance.

NM_004423.4(DVL3):c.655CGG[5] (p.Arg222dup)

Gene: DVL3 (dishevelled segment polarity protein 3; plus strand). Cytogenetic location: 3q27.1.
Variant type: Microsatellite.
Coding change: c.655CGG[5] on transcript NM_004423.4 (MANE Select); five copies in a row of the 3-base unit CGG starting at c.655; the reference has four copies in a row; one copy, 3 bases duplicated.
Protein change: p.Arg222dup; duplicates arginine 222.
Molecular consequence: inframe insertion.
Genome position (GRCh38, 1-based): chr3:184,165,177-184,165,179, CGG duplicated; duplicating any 3 consecutive bases within chr3:184,165,167-184,165,179 gives the same sequence; the position shown is the placement nearest the transcript's 3' end. VCF-style (leftmost placement, unchanged base first): chr3-184165166-A-AGCG. GRCh37 (hg19) VCF-style: chr3-183882954-A-AGCG.
Identifiers: ClinVar variation 1522200 (VCV001522200.8), dbSNP rs772055680, ClinGen allele CA2727182.
Genomic context (GRCh38, chr3:184,165,166, plus strand): 5'-CCCACAGGTTCAGCAGCTCCACAGAACAGAGCAGTGCCTCACGCCTGATGAGAAGACACA[A>AGCG]GCGGCGGCGGCGGAAGCAGAAGGTTTCTCGGATTGAGCGGGTATGGGGTCTGGGAGGCTA-3'